The following is an entry in ClinVar:

NM_016816.4(OAS1):c.1047C>T (p.Ser349=)

Gene: OAS1 (2'-5'-oligoadenylate synthetase 1; plus strand). Cytogenetic location: 12q24.13.
Variant type: single nucleotide variant.
Coding change: c.1047C>T on transcript NM_016816.4 (MANE Select); coding-DNA position 1047, C replaced by T.
Protein change: p.Ser349=; no amino-acid change (serine 349 retained).
Molecular consequence: synonymous variant. On other transcripts: intron variant (2).
Genome position (GRCh38, 1-based): chr12:112,919,397, C>T. VCF-style: chr12-112919397-C-T. GRCh37 (hg19) VCF-style: chr12-113357202-C-T.
Other names: p.Ser349=; c.1038+1697C>T (NM_001320151.2); c.1039-90C>T (NM_001032409.3).
Identifiers: ClinVar variation 1165659 (VCV001165659.12), dbSNP rs34712807, ClinGen allele CA6799994.

ClinVar aggregate classification (germline): Benign. Review status: criteria provided, multiple submitters, no conflicts (2 of 4 stars). 4 submissions from 4 submitters: Benign (4). Last evaluated 2026-01-27.

Allele frequency attached by ClinVar (database versions not stated): gnomAD 0.00137 and 0.00238; gnomAD exomes 0.00158 and 0.00479; TOPMed 0.00201; ExAC 0.00476; 1000 Genomes Project 30x 0.01483; 1000 Genomes Project 0.01577.
gnomAD v4.1: 2,913 of 1,612,502 alleles (0.18%); highest among the groups gnomAD compares: East Asian, 2.9%; 61 homozygotes.

Submissions (4):

Labcorp Genetics (formerly Invitae), Labcorp
Classification: Benign. Last evaluated: 2026-01-27. Review status: criteria provided, single submitter. Criteria: Invitae Variant Classification Sherloc (09022015). Collection method: clinical testing. Allele origin: germline.

Women's Health and Genetics/Laboratory Corporation of America, LabCorp
Classification: Benign. Last evaluated: 2026-01-23. Review status: criteria provided, single submitter. Criteria: LabCorp Variant Classification Summary - May 2015. Collection method: clinical testing. Allele origin: germline.

Mayo Clinic Laboratories, Mayo Clinic
Classification: Benign. Last evaluated: 2024-11-04. Review status: criteria provided, single submitter. Criteria: ACMG Guidelines, 2015. Collection method: clinical testing. Allele origin: germline. Observed: 1 variant allele.
Comment: BS1, BS2, BP4, BP7

Breakthrough Genomics
Classification: Benign. Review status: criteria provided, single submitter. Criteria: ACMG Guidelines, 2015. Collection method: not provided. Allele origin: germline. Inheritance: Autosomal dominant inheritance. Affected: yes.